The following is an entry in ClinVar:

NM_001231.5(CASQ1):c.443C>T (p.Thr148Ile)

Gene: CASQ1 (calsequestrin 1; plus strand). Cytogenetic location: 1q23.2.
Variant type: single nucleotide variant.
Coding change: c.443C>T on transcript NM_001231.5 (MANE Select); coding-DNA position 443, C replaced by T.
Protein change: p.Thr148Ile; replaces threonine 148 with isoleucine.
Molecular consequence: missense variant.
Genome position (GRCh38, 1-based): chr1:160,193,825, C>T. VCF-style: chr1-160193825-C-T. GRCh37 (hg19) VCF-style: chr1-160163615-C-T.
Other names: short protein forms T148I.
Identifiers: ClinVar variation 1478953 (VCV001478953.12), dbSNP rs141393059, ClinGen allele CA1196183.
Genomic context (GRCh38, chr1:160,193,825, plus strand): 5'-GCATGTATGTATTCAAGGGAGATGAAGTCATTGAGTACGATGGCGAGTTTTCTGCTGACA[C>T]CATCGTGGAGTTTCTGCTTGATGTAAGGACTCCCCTGGACCTGACGGCCTTGCTTGAAAA-3'
Protein context (NP_001222.3, residues 138-158): IEYDGEFSAD[Thr148Ile]IVEFLLDVLE

ClinVar aggregate classification (germline): Uncertain significance. Review status: criteria provided, multiple submitters, no conflicts (2 of 4 stars). 2 submissions from 2 submitters: Uncertain significance (2). Last evaluated 2026-01-09.

Conditions:
Inborn genetic diseases. Identifiers: MedGen C0950123, MeSH D030342.

Allele frequency attached by ClinVar (database versions not stated): gnomAD exomes 0.00001 and 0.00004; ExAC 0.00005; gnomAD 0.00012 and 0.00014; TOPMed 0.00017; ESP Exome Variant Server 0.00031.

Submissions (2):

Labcorp Genetics (formerly Invitae), Labcorp
Classification: Uncertain significance. Last evaluated: 2026-01-09. Review status: criteria provided, single submitter. Criteria: Invitae Variant Classification Sherloc (09022015). Collection method: clinical testing. Allele origin: germline.
Comment: This sequence change replaces threonine, which is neutral and polar, with isoleucine, which is neutral and non-polar, at codon 148 of the CASQ1 protein (p.Thr148Ile). This variant is present in population databases (rs141393059, gnomAD 0.06%), and has an allele count higher than expected for a pathogenic variant. This variant has not been reported in the literature in individuals affected with CASQ1-related conditions. ClinVar contains an entry for this variant (Variation ID: 1478953). Invitae Evidence Modeling of protein sequence and biophysical properties (such as structural, functional, and spatial information, amino acid conservation, physicochemical variation, residue mobility, and thermodynamic stability) indicates that this missense variant is not expected to disrupt CASQ1 protein function with a negative predictive value of 80%. In summary, the available evidence is currently insufficient to determine the role of this variant in disease. Therefore, it has been classified as a Variant of Uncertain Significance.

Ambry Genetics
Classification: Uncertain significance for Inborn genetic diseases. Last evaluated: 2025-05-16. Review status: criteria provided, single submitter. Criteria: Ambry Variant Classification Scheme 2023. Collection method: clinical testing. Allele origin: germline.